The following is an entry in ClinVar:

ClinVar aggregate classification (germline): Uncertain significance (1 of 4 stars; one submission).

Conditions:
Beckwith-Wiedemann syndrome (BWS). Also called: EMG SYNDROME; Exomphalos macroglossia gigantism syndrome. Identifiers: Orphanet 116, MedGen C0004903, MONDO:0007534, OMIM 130650.

Submission:

Labcorp Genetics (formerly Invitae), Labcorp
Classification: Uncertain significance for Beckwith-Wiedemann syndrome. Last evaluated: 2021-06-26. Review status: criteria provided, single submitter. Criteria: Invitae Variant Classification Sherloc (09022015). Collection method: clinical testing. Allele origin: germline.
Comment: Algorithms developed to predict the effect of missense changes on protein structure and function (SIFT, PolyPhen-2, Align-GVGD) all suggest that this variant is likely to be disruptive, but these predictions have not been confirmed by published functional studies and their clinical significance is uncertain. In summary, the available evidence is currently insufficient to determine the role of this variant in disease. Therefore, it has been classified as a Variant of Uncertain Significance. This variant has not been reported in the literature in individuals with CDKN1C-related conditions. This sequence change replaces arginine with leucine at codon 31 of the CDKN1C protein (p.Arg31Leu). The arginine residue is highly conserved and there is a moderate physicochemical difference between arginine and leucine. This variant is not present in population databases (ExAC no frequency).

NM_001122630.2(CDKN1C):c.59G>T (p.Arg20Leu)

Gene: CDKN1C (cyclin dependent kinase inhibitor 1C; minus strand). Cytogenetic location: 11p15.4.
Variant type: single nucleotide variant.
Coding change: c.59G>T on transcript NM_001122630.2 (MANE Select); coding-DNA position 59, G replaced by T.
Protein change: p.Arg20Leu; replaces arginine 20 with leucine.
Molecular consequence: missense variant.
Genome position (GRCh38, 1-based): chr11:2,885,398, C>A on the plus strand (G>T on the coding strand, the complement: CDKN1C is on the minus strand). VCF-style: chr11-2885398-C-A. GRCh37 (hg19) VCF-style: chr11-2906628-C-A.
Other names: c.92G>T, p.Arg31Leu (NM_000076.2, NM_001362474.2); c.59G>T, p.Arg20Leu (NM_001122631.2, NM_001362475.2); short protein forms R31L, R20L.
Identifiers: ClinVar variation 1437960 (VCV001437960.8), dbSNP rs2133786421, ClinGen allele CA379147798.